The following is an entry in ClinVar:

NM_000185.4(SERPIND1):c.466G>T (p.Val156Phe)

Genes: PI4KA (phosphatidylinositol 4-kinase alpha; minus strand), SERPIND1 (serpin family D member 1; plus strand). Cytogenetic location: 22q11.21.
Variant type: single nucleotide variant.
Coding change: c.466G>T on transcript NM_000185.4 (MANE Select); coding-DNA position 466, G replaced by T.
Protein change: p.Val156Phe; replaces valine 156 with phenylalanine.
Molecular consequence: missense variant. On other transcripts: intron variant (3).
Genome position (GRCh38, 1-based): chr22:20,779,778, G>T. VCF-style: chr22-20779778-G-T. GRCh37 (hg19) VCF-style: chr22-21134066-G-T.
Other names: p.Val156Phe; c.2262+13415C>A (NM_001362863.2); c.2328+13415C>A (NM_001362862.2, NM_058004.4); short protein forms V156F.
Identifiers: ClinVar variation 3380698 (VCV003380698.2).

ClinVar aggregate classification (germline): Uncertain significance (1 of 4 stars; one submission).

gnomAD v4.1: 27 of 1,614,088 alleles (0.0017%); highest among the groups gnomAD compares: Admixed American, 0.042%; no homozygotes.

Submission:

Mayo Clinic Laboratories, Mayo Clinic
Classification: Uncertain significance. Last evaluated: 2025-01-21. Review status: criteria provided, single submitter. Criteria: ACMG Guidelines, 2015. Collection method: clinical testing. Allele origin: germline. Observed: 2 variant alleles.
Comment: PM1_supporting